The following is an entry in ClinVar:

NM_152598.4(MARCHF10):c.725A>C (p.Lys242Thr)

Genes: MARCHF10 (membrane associated ring-CH-type finger 10; minus strand), MARCHF10-AS1 (MARCHF10 antisense RNA 1; plus strand). Cytogenetic location: 17q23.2.
Variant type: single nucleotide variant.
Coding change: c.725A>C on transcript NM_152598.4 (MANE Select); coding-DNA position 725, A replaced by C.
Protein change: p.Lys242Thr; replaces lysine 242 with threonine.
Molecular consequence: missense variant. On other transcripts: non-coding transcript variant (1).
Genome position (GRCh38, 1-based): chr17:62,737,143, T>G on the plus strand (A>C on the coding strand, the complement: MARCHF10 is on the minus strand). VCF-style: chr17-62737143-T-G. GRCh37 (hg19) VCF-style: chr17-60814504-T-G.
Other names: c.725A>C, p.Lys242Thr (NM_001100875.3); c.839A>C, p.Lys280Thr (NM_001288779.2); c.722A>C, p.Lys241Thr (NM_001288780.2); short protein forms K241T, K242T, K280T.
Identifiers: ClinVar variation 3034198 (VCV003034198.2), dbSNP rs146015773, ClinGen allele CA8696921.
Genomic context (GRCh38, chr17:62,737,143, plus strand): 5'-CCTACAGTGGTGGGTGTGAGTGGTGGCCCCGAGAACTCACTCAATACTTGAGGACTATTT[T>G]TTCCTTGGAAGGCCTGGGACAGGGCTGGATGCAGCTCACTCTGGGAAGGAGCACTCGGGT-3'
Protein context (NP_689811.2, residues 232-252): HPALSQAFQG[Lys242Thr]NSPQVLSEFS

ClinVar aggregate classification (germline): Benign (0 of 4 stars; one submission).

Conditions:
MARCHF10-related disorder. Also called: MARCHF10-related condition.

Allele frequency attached by ClinVar (database versions not stated): gnomAD exomes 0.00075; ExAC 0.00209; ESP Exome Variant Server 0.00531; gnomAD 0.00561; TOPMed 0.00668; 1000 Genomes Project 30x 0.00812; 1000 Genomes Project 0.00919.
gnomAD v4.1: 2,025 of 1,614,118 alleles (0.13%); highest among the groups gnomAD compares: African/African-American, 1.9%; 13 homozygotes.

Submission:

PreventionGenetics, part of Exact Sciences
Classification: Benign for MARCHF10-related condition. Last evaluated: 2019-02-22. Review status: no assertion criteria provided. Collection method: clinical testing. Allele origin: germline.
Comment: This variant is classified as benign based on ACMG/AMP sequence variant interpretation guidelines (Richards et al. 2015 PMID: 25741868, with internal and published modifications).